The following is an entry in ClinVar:

ClinVar aggregate classification (germline): Likely benign (1 of 4 stars; one submission).

gnomAD v4.1: 1 of 1,613,454 alleles (0.000062%); highest among the groups gnomAD compares: African/African-American, 0.0013%; no homozygotes.

Submission:

Mayo Clinic Laboratories, Mayo Clinic
Classification: Likely benign. Last evaluated: 2025-03-20. Review status: criteria provided, single submitter. Criteria: ACMG Guidelines, 2015. Collection method: clinical testing. Allele origin: germline. Observed: 1 variant allele.
Comment: PM2_supporting

NM_000392.5(ABCC2):c.4314-21G>A

Gene: ABCC2 (ATP binding cassette subfamily C member 2; plus strand). Cytogenetic location: 10q24.2.
Variant type: single nucleotide variant.
Coding change: c.4314-21G>A on transcript NM_000392.5 (MANE Select); 21 bases into the intron before coding-DNA position 4314, G replaced by A.
Molecular consequence: intron variant.
Genome position (GRCh38, 1-based): chr10:99,850,581, G>A. VCF-style: chr10-99850581-G-A. GRCh37 (hg19) VCF-style: chr10-101610338-G-A.
Other names: p.?.
Identifiers: ClinVar variation 4683532 (VCV004683532.1).